The following is an entry in ClinVar:

NM_002772.3(TMPRSS15):c.2299T>C (p.Cys767Arg)

Gene: TMPRSS15 (transmembrane serine protease 15; minus strand). Cytogenetic location: 21q21.1.
Variant type: single nucleotide variant.
Coding change: c.2299T>C on transcript NM_002772.3 (MANE Select); coding-DNA position 2299, T replaced by C.
Protein change: p.Cys767Arg; replaces cysteine 767 with arginine.
Molecular consequence: missense variant.
Genome position (GRCh38, 1-based): chr21:18,294,615, A>G on the plus strand (T>C on the coding strand, the complement: TMPRSS15 is on the minus strand). VCF-style: chr21-18294615-A-G. GRCh37 (hg19) VCF-style: chr21-19666932-A-G.
Other names: short protein forms C767R.
Identifiers: ClinVar variation 2178730 (VCV002178730.2), dbSNP rs150923238, ClinGen allele CA9984115.

ClinVar aggregate classification (germline): Uncertain significance (1 of 4 stars; one submission).

Allele frequency attached by ClinVar (database versions not stated): gnomAD 0.00001; ExAC 0.00002; TOPMed 0.00003; ESP Exome Variant Server 0.00008.
gnomAD v4.1: 15 of 1,611,596 alleles (0.00093%); highest among the groups gnomAD compares: Middle Eastern, 0.082%; no homozygotes.

Submission:

Labcorp Genetics (formerly Invitae), Labcorp
Classification: Uncertain significance. Last evaluated: 2025-12-19. Review status: criteria provided, single submitter. Criteria: Invitae Variant Classification Sherloc (09022015). Collection method: clinical testing. Allele origin: germline.
Comment: This sequence change replaces cysteine, which is neutral and slightly polar, with arginine, which is basic and polar, at codon 767 of the TMPRSS15 protein (p.Cys767Arg). This variant is present in population databases (rs150923238, gnomAD 0.003%). This variant has not been reported in the literature in individuals affected with TMPRSS15-related conditions. ClinVar contains an entry for this variant (Variation ID: 2178730). An algorithm developed to predict the effect of missense changes on protein structure and function (PolyPhen-2) suggests that this variant is likely to be disruptive. In summary, the available evidence is currently insufficient to determine the role of this variant in disease. Therefore, it has been classified as a Variant of Uncertain Significance.